The following is an entry in ClinVar:

NM_000238.4(KCNH2):c.916+5G>A

Gene: KCNH2 (potassium voltage-gated channel subfamily H member 2; minus strand). Cytogenetic location: 7q36.1.
Variant type: single nucleotide variant.
Coding change: c.916+5G>A on transcript NM_000238.4 (MANE Select); 5 bases into the intron after coding-DNA position 916, G replaced by A.
Molecular consequence: intron variant.
Genome position (GRCh38, 1-based): chr7:150,958,054, C>T on the plus strand (G>A on the coding strand, the complement: KCNH2 is on the minus strand). VCF-style: chr7-150958054-C-T. GRCh37 (hg19) VCF-style: chr7-150655142-C-T.
Other names: c.628+5G>A (NM_001406753.1, NM_001406756.1); c.916+5G>A (NM_172056.3); c.739+5G>A (NM_001406755.1); c.616+5G>A (NM_001406757.1).
Identifiers: ClinVar variation 1039894 (VCV001039894.8), dbSNP rs1801436332, ClinGen allele CA1752417673.

ClinVar aggregate classification (germline): Uncertain significance (1 of 4 stars; one submission).

Conditions:
Long QT syndrome (LQTS). Identifiers: MedGen C0023976, MeSH D008133, MONDO:0002442. Disease mechanism: loss of function. Inheritance: Various modes of inheritance.

Submission:

Labcorp Genetics (formerly Invitae), Labcorp
Classification: Uncertain significance for Long QT syndrome. Last evaluated: 2023-03-07. Review status: criteria provided, single submitter. Criteria: Invitae Variant Classification Sherloc (09022015). Collection method: clinical testing. Allele origin: germline.
Comment: ClinVar contains an entry for this variant (Variation ID: 1039894). This sequence change falls in intron 4 of the KCNH2 gene. It does not directly change the encoded amino acid sequence of the KCNH2 protein. It affects a nucleotide within the consensus splice site. This variant is not present in population databases (gnomAD no frequency). This variant has not been reported in the literature in individuals affected with KCNH2-related conditions. Variants that disrupt the consensus splice site are a relatively common cause of aberrant splicing (PMID: 17576681, 9536098). Algorithms developed to predict the effect of sequence changes on RNA splicing suggest that this variant may disrupt the consensus splice site. In summary, the available evidence is currently insufficient to determine the role of this variant in disease. Therefore, it has been classified as a Variant of Uncertain Significance.

Literature cited by the submitters: PubMed 17576681; PubMed 9536098.